The following is an entry in ClinVar:

NM_014639.4(SKIC3):c.2376T>G (p.His792Gln)

Gene: SKIC3 (SKI3 subunit of superkiller complex; minus strand). Cytogenetic location: 5q15.
Variant type: single nucleotide variant.
Coding change: c.2376T>G on transcript NM_014639.4 (MANE Select); coding-DNA position 2376, T replaced by G.
Protein change: p.His792Gln; replaces histidine 792 with glutamine.
Molecular consequence: missense variant.
Genome position (GRCh38, 1-based): chr5:95,516,976, A>C on the plus strand (T>G on the coding strand, the complement: SKIC3 is on the minus strand). VCF-style: chr5-95516976-A-C. GRCh37 (hg19) VCF-style: chr5-94852680-A-C.
Other names: short protein forms H792Q.
Identifiers: ClinVar variation 735009 (VCV000735009.10), dbSNP rs200138329, ClinGen allele CA3347098.

ClinVar aggregate classification (germline): Likely benign. Review status: criteria provided, single submitter (1 of 4 stars). 2 submissions from 2 submitters: Likely benign (1). 1 of the submissions does not count toward it. Last evaluated 2025-12-23.

Conditions:
SKIC3-related disorder. Also called: SKIC3-related condition.

Allele frequency attached by ClinVar (database versions not stated): gnomAD 0.00005 and 0.00010; TOPMed 0.00008; gnomAD exomes 0.00021 and 0.00027; ExAC 0.00036; 1000 Genomes Project 0.00040.
gnomAD v4.1: 312 of 1,613,326 alleles (0.019%); highest among the groups gnomAD compares: East Asian, 0.66%; no homozygotes.

Submissions (2):

Labcorp Genetics (formerly Invitae), Labcorp
Classification: Likely benign. Last evaluated: 2025-12-23. Review status: criteria provided, single submitter. Criteria: Invitae Variant Classification Sherloc (09022015). Collection method: clinical testing. Allele origin: germline.

PreventionGenetics, part of Exact Sciences
Classification: Likely benign for SKIC3-related condition. Last evaluated: 2022-03-01. Review status: no assertion criteria provided. Collection method: clinical testing. Allele origin: germline. Not counted in ClinVar's aggregate classification.
Comment: This variant is classified as likely benign based on ACMG/AMP sequence variant interpretation guidelines (Richards et al. 2015 PMID: 25741868, with internal and published modifications).